The following is an entry in ClinVar:

NM_000535.7(PMS2):c.2564A>G (p.Asn855Ser)

Gene: PMS2 (PMS1 homolog 2, mismatch repair system component; minus strand). Cytogenetic location: 7p22.1.
Variant type: single nucleotide variant.
Coding change: c.2564A>G on transcript NM_000535.7 (MANE Select); coding-DNA position 2564, A replaced by G.
Protein change: p.Asn855Ser; replaces asparagine 855 with serine.
Molecular consequence: missense variant. On other transcripts: non-coding transcript variant (1).
Genome position (GRCh38, 1-based): chr7:5,973,424, T>C on the plus strand (A>G on the coding strand, the complement: PMS2 is on the minus strand). VCF-style: chr7-5973424-T-C. GRCh37 (hg19) VCF-style: chr7-6013055-T-C.
Other names: c.2159A>G, p.Asn720Ser (NM_001322003.2, NM_001322004.2, NM_001322005.2); c.2408A>G, p.Asn803Ser (NM_001322006.2); c.2246A>G, p.Asn749Ser (NM_001322007.2, NM_001322008.2); c.2192A>G, p.Asn731Ser (NM_001322009.2); c.2003A>G, p.Asn668Ser (NM_001322010.2); c.1631A>G, p.Asn544Ser (NM_001322011.2, NM_001322012.2); c.1991A>G, p.Asn664Ser (NM_001322013.2); c.2597A>G, p.Asn866Ser (NM_001322014.2); and 1 more; short protein forms N544S, N664S, N668S, N720S, N731S, N749S, N752S, N803S.
Identifiers: ClinVar variation 1318685 (VCV001318685.2), dbSNP rs2128656929, ClinGen allele CA366734767.

ClinVar aggregate classification (germline): Uncertain significance (1 of 4 stars; one submission).

Submission:

GeneDx
Classification: Uncertain significance. Last evaluated: 2019-09-05. Review status: criteria provided, single submitter. Criteria: GeneDx Variant Classification Process June 2021. Collection method: clinical testing. Allele origin: germline. Affected: yes.
Comment: Not observed in large population cohorts (Lek 2016); In silico analysis, which includes protein predictors and evolutionary conservation, supports a deleterious effect; Has not been previously published as pathogenic or benign to our knowledge